The following is an entry in ClinVar:

ClinVar aggregate classification (germline): Uncertain significance (1 of 4 stars; one submission).

Conditions:
Hereditary cancer-predisposing syndrome. Also called: Neoplastic Syndromes, Hereditary; Tumor predisposition; Hereditary Cancer Syndrome; Hereditary neoplastic syndrome. Identifiers: Orphanet 140162, MedGen C0027672, MeSH D009386, MONDO:0015356.

Submission:

Ambry Genetics
Classification: Uncertain significance for Hereditary cancer-predisposing syndrome. Last evaluated: 2024-10-23. Review status: criteria provided, single submitter. Criteria: Ambry Variant Classification Scheme 2023. Collection method: clinical testing. Allele origin: germline.
Comment: The p.G198A variant (also known as c.593G>C), located in coding exon 7 of the POLE gene, results from a G to C substitution at nucleotide position 593. The glycine at codon 198 is replaced by alanine, an amino acid with similar properties. This amino acid position is conserved. In addition, this alteration is predicted to be tolerated by in silico analysis. Based on the available evidence, the clinical significance of this variant remains unclear.

NM_006231.4(POLE):c.593G>C (p.Gly198Ala)

Gene: POLE (DNA polymerase epsilon, catalytic subunit; minus strand). Cytogenetic location: 12q24.33.
Variant type: single nucleotide variant.
Coding change: c.593G>C on transcript NM_006231.4 (MANE Select); coding-DNA position 593, G replaced by C.
Protein change: p.Gly198Ala; replaces glycine 198 with alanine.
Molecular consequence: missense variant.
Genome position (GRCh38, 1-based): chr12:132,677,705, C>G on the plus strand (G>C on the coding strand, the complement: POLE is on the minus strand). VCF-style: chr12-132677705-C-G. GRCh37 (hg19) VCF-style: chr12-133254291-C-G.
Other names: short protein forms G198A.
Identifiers: ClinVar variation 3422206 (VCV003422206.1).